The following is an entry in ClinVar:

ClinVar aggregate classification (germline): Uncertain significance. Review status: criteria provided, multiple submitters, no conflicts (2 of 4 stars). 2 submissions from 2 submitters: Uncertain significance (2). Last evaluated 2025-09-25.

Conditions:
Hereditary cancer-predisposing syndrome. Also called: Neoplastic Syndromes, Hereditary; Tumor predisposition; Hereditary Cancer Syndrome; Hereditary neoplastic syndrome. Identifiers: Orphanet 140162, MedGen C0027672, MeSH D009386, MONDO:0015356.
Familial adenomatous polyposis 1 (FAP1). Also called: POLYPOSIS, ADENOMATOUS INTESTINAL; FAMILIAL ADENOMATOUS POLYPOSIS 1, ATTENUATED. Identifiers: MedGen C2713442, MONDO:0021056, OMIM 175100. Disease mechanism: loss of function.

Submissions (2):

Ambry Genetics
Classification: Uncertain significance for Hereditary cancer-predisposing syndrome. Last evaluated: 2025-09-25. Review status: criteria provided, single submitter. Criteria: Ambry Variant Classification Scheme 2023. Collection method: clinical testing. Allele origin: germline.
Comment: The p.D396N variant (also known as c.1186G>A), located in coding exon 9 of the APC gene, results from a G to A substitution at nucleotide position 1186. The aspartic acid at codon 396 is replaced by asparagine, an amino acid with highly similar properties. This amino acid position is highly conserved in available vertebrate species. In addition, in silico predictors for this gene do not accurately predict pathogenicity. Missense alterations in APC are not a common cause of disease (Spier I et al. Genet Med. 2024 Feb;26(2):100992). Based on the available evidence, the clinical significance of this variant remains unclear.

Labcorp Genetics (formerly Invitae), Labcorp
Classification: Uncertain significance for Familial adenomatous polyposis 1. Last evaluated: 2018-07-22. Review status: criteria provided, single submitter. Criteria: Invitae Variant Classification Sherloc (09022015). Collection method: clinical testing. Allele origin: germline.
Comment: This variant has not been reported in the literature in individuals with APC-related disease. This sequence change replaces aspartic acid with asparagine at codon 396 of the APC protein (p.Asp396Asn). The aspartic acid residue is highly conserved and there is a small physicochemical difference between aspartic acid and asparagine. This variant is not present in population databases (ExAC no frequency). Algorithms developed to predict the effect of missense changes on protein structure and function (SIFT, PolyPhen-2, Align-GVGD) all suggest that this variant is likely to be tolerated, but these predictions have not been confirmed by published functional studies and their clinical significance is uncertain. In summary, the available evidence is currently insufficient to determine the role of this variant in disease. Therefore, it has been classified as a Variant of Uncertain Significance.

NM_000038.6(APC):c.1186G>A (p.Asp396Asn)

Gene: APC (APC regulator of Wnt signaling pathway; plus strand). Cytogenetic location: 5q22.2.
Variant type: single nucleotide variant.
Coding change: c.1186G>A on transcript NM_000038.6 (MANE Select); coding-DNA position 1186, G replaced by A.
Protein change: p.Asp396Asn; replaces aspartic acid 396 with asparagine.
Molecular consequence: missense variant. On other transcripts: intron variant (4).
Genome position (GRCh38, 1-based): chr5:112,819,218, G>A. VCF-style: chr5-112819218-G-A. GRCh37 (hg19) VCF-style: chr5-112154915-G-A.
Other names: c.1186G>A, p.Asp396Asn (NM_001127510.3, NM_001354895.2, NM_001354896.2); c.1132G>A, p.Asp378Asn (NM_001127511.3); c.1216G>A, p.Asp406Asn (NM_001354897.2); c.1111G>A, p.Asp371Asn (NM_001354898.2); c.1102G>A, p.Asp368Asn (NM_001354899.2); c.1009G>A, p.Asp337Asn (NM_001354900.2, NM_001354901.2); c.337G>A, p.Asp113Asn (NM_001354906.2); c.964-51G>A (NM_001354902.2); and 3 more; short protein forms D396N, D113N, D337N, D368N, D406N, D371N, D378N.
Identifiers: ClinVar variation 652014 (VCV000652014.11), dbSNP rs1580530304, ClinGen allele CA16023899.